The following is an entry in ClinVar:

NM_007294.4(BRCA1):c.3655G>C (p.Glu1219Gln)

Genes: BRCA1 (BRCA1 DNA repair associated; minus strand), LOC126862571 (BRD4-independent group 4 enhancer GRCh37_chr17:41243136-41244335; plus strand). Cytogenetic location: 17q21.31.
Variant type: single nucleotide variant.
Coding change: c.3655G>C on transcript NM_007294.4 (MANE Select); coding-DNA position 3655, G replaced by C.
Protein change: p.Glu1219Gln; replaces glutamic acid 1219 with glutamine.
Molecular consequence: missense variant. On other transcripts: intron variant (135).
Genome position (GRCh38, 1-based): chr17:43,091,876, C>G on the plus strand (G>C on the coding strand, the complement: BRCA1 is on the minus strand). VCF-style: chr17-43091876-C-G. GRCh37 (hg19) VCF-style: chr17-41243893-C-G.
Other names: c.647-844G>C (NM_001408452.1, NM_001408457.1, NM_001408460.1 and 11 more transcripts); c.524-844G>C (NM_001408497.1, NM_001408496.1, NM_001408498.1 and 3 more transcripts); c.788-844G>C (NM_001407973.1, NM_001408403.1, NM_001407980.1 and 17 more transcripts); c.404-844G>C (NM_001408511.1); c.521-844G>C (NM_001408505.1, NM_001408503.1, NM_001408504.1); c.461-844G>C (NM_001408507.1, NM_001408506.1); c.545-844G>C (NM_001408495.1); c.662-844G>C (NM_001408448.1, NM_001408445.1, NM_001408432.1 and 6 more transcripts); and 41 more; short protein forms E1219Q, E1172Q, E1051Q, E1107Q, E1131Q, E1148Q, E1151Q, E1177Q.
Identifiers: ClinVar variation 961282 (VCV000961282.13), dbSNP rs80356921, ClinGen allele CA10594661.

ClinVar aggregate classification (germline): Conflicting classifications of pathogenicity. Review status: criteria provided, conflicting classifications (1 of 4 stars). 2 submissions from 2 submitters: Uncertain significance (1); Likely benign (1). Last evaluated 2024-11-04.

Conditions:
Hereditary cancer-predisposing syndrome. Also called: Tumor predisposition; Hereditary neoplastic syndrome; Hereditary Cancer Syndrome; Neoplastic Syndromes, Hereditary. Identifiers: Orphanet 140162, MedGen C0027672, MeSH D009386, MONDO:0015356.
Hereditary breast ovarian cancer syndrome. Also called: BRCA1- and BRCA2-Associated Hereditary Breast and Ovarian Cancer; Hereditary breast and ovarian cancer; Hereditary breast and/or ovarian cancer syndrome; Hereditary breast and ovarian cancer syndrome; Hereditary breast and ovarian cancer syndrome (HBOC); Breast and ovarian cancer. Identifiers: Orphanet 145, MedGen C0677776, MeSH D061325, MONDO:0003582. Disease mechanism: loss of function.

Submissions (2):

Labcorp Genetics (formerly Invitae), Labcorp
Classification: Uncertain significance for Hereditary breast ovarian cancer syndrome. Last evaluated: 2024-11-04. Review status: criteria provided, single submitter. Criteria: Invitae Variant Classification Sherloc (09022015). Collection method: clinical testing. Allele origin: germline.
Comment: This sequence change replaces glutamic acid, which is acidic and polar, with glutamine, which is neutral and polar, at codon 1219 of the BRCA1 protein (p.Glu1219Gln). This variant is not present in population databases (gnomAD no frequency). This variant has not been reported in the literature in individuals affected with BRCA1-related conditions. ClinVar contains an entry for this variant (Variation ID: 961282). Invitae Evidence Modeling of protein sequence and biophysical properties (such as structural, functional, and spatial information, amino acid conservation, physicochemical variation, residue mobility, and thermodynamic stability) indicates that this missense variant is expected to disrupt BRCA1 protein function with a positive predictive value of 80%. In summary, the available evidence is currently insufficient to determine the role of this variant in disease. Therefore, it has been classified as a Variant of Uncertain Significance.

University of Washington Department of Laboratory Medicine, University of Washington
Classification: Likely benign for Hereditary cancer-predisposing syndrome. Last evaluated: 2023-03-23. Review status: criteria provided, single submitter. Criteria: Dines et al. (Genet Med. 2020). Collection method: curation. Allele origin: germline.
Comment: Missense variant in a coldspot region where missense variants are very unlikely to be pathogenic (PMID:31911673).

BRCA1 coldspot (exon 11 using historical exon numbering). Reclassification based on statistical prior probability